The following is an entry in ClinVar:

NM_020297.4(ABCC9):c.728T>G (p.Ile243Ser)

Gene: ABCC9 (ATP binding cassette subfamily C member 9; minus strand). Cytogenetic location: 12p12.1.
Variant type: single nucleotide variant.
Coding change: c.728T>G on transcript NM_020297.4 (MANE Select); coding-DNA position 728, T replaced by G.
Protein change: p.Ile243Ser; replaces isoleucine 243 with serine.
Molecular consequence: missense variant. On other transcripts: intron variant (1).
Genome position (GRCh38, 1-based): chr12:21,915,756, A>C on the plus strand (T>G on the coding strand, the complement: ABCC9 is on the minus strand). VCF-style: chr12-21915756-A-C. GRCh37 (hg19) VCF-style: chr12-22068690-A-C.
Other names: c.728T>G, p.Ile243Ser (NM_001377273.1, NM_005691.4); c.-48-2690T>G (NM_001377274.1); short protein forms I243S.
Identifiers: ClinVar variation 1467581 (VCV001467581.8), dbSNP rs754113599, ClinGen allele CA384123892.

ClinVar aggregate classification (germline): Uncertain significance (1 of 4 stars; one submission).

Conditions:
Dilated cardiomyopathy 1O (CMD1O). Also called: CARDIOMYOPATHY, DILATED, WITH VENTRICULAR TACHYCARDIA. Identifiers: Orphanet 154, MedGen C1837839, MONDO:0012062, OMIM 608569.

Submission:

Labcorp Genetics (formerly Invitae), Labcorp
Classification: Uncertain significance for Dilated cardiomyopathy 1O. Last evaluated: 2021-03-01. Review status: criteria provided, single submitter. Criteria: Invitae Variant Classification Sherloc (09022015). Collection method: clinical testing. Allele origin: germline.
Comment: This variant is not present in population databases (ExAC no frequency). This sequence change replaces isoleucine with serine at codon 243 of the ABCC9 protein (p.Ile243Ser). The isoleucine residue is moderately conserved and there is a large physicochemical difference between isoleucine and serine. This variant has not been reported in the literature in individuals with ABCC9-related conditions. Algorithms developed to predict the effect of missense changes on protein structure and function are either unavailable or do not agree on the potential impact of this missense change (SIFT: "Deleterious"; PolyPhen-2: "Possibly Damaging"; Align-GVGD: "Class C0"). In summary, the available evidence is currently insufficient to determine the role of this variant in disease. Therefore, it has been classified as a Variant of Uncertain Significance.